The following is an entry in ClinVar:

NC_000013.10:g.(?_48951044)_(48955589_?)del

Gene: RB1 (RB transcriptional corepressor 1; plus strand). Cytogenetic location: 13q14.2.
Variant type: Deletion.
Identifiers: ClinVar variation 2422875 (VCV002422875.4).

ClinVar aggregate classification (germline): Pathogenic (1 of 4 stars; one submission).

Conditions:
Retinoblastoma (RB1). Also called: RETINOBLASTOMA, SOMATIC. Identifiers: Orphanet 790, MedGen C0035335, MeSH D012175, MONDO:0008380, OMIM 180200, HP:0009919. Disease mechanism: loss of function. Inheritance: Both sporadic and heritable forms are tested..

Submission:

Labcorp Genetics (formerly Invitae), Labcorp
Classification: Pathogenic for Retinoblastoma. Last evaluated: 2022-08-06. Review status: criteria provided, single submitter. Criteria: Invitae Variant Classification Sherloc (09022015). Collection method: clinical testing. Allele origin: germline.
Comment: For these reasons, this variant has been classified as Pathogenic. This variant disrupts a region of the RB1 protein in which other variant(s) (p.Asn480del) have been determined to be pathogenic (PMID: 1577465, 7927327, 10486322, 12541220, 21520333; Invitae). This suggests that this is a clinically significant region of the protein, and that variants that disrupt it are likely to be disease-causing. A similar copy number variant has been observed in individual(s) with retinoblastoma (PMID: 16127685). This variant is a gross deletion of the genomic region encompassing exon(s) 13-17 of the RB1 gene. This variant would be expected to be in-frame, preserving the integrity of the reading frame.

Literature cited by the submitters: PubMed 1577465; PubMed 7927327; PubMed 10486322; PubMed 12541220; PubMed 21520333; PubMed 16127685.